The following is an entry in ClinVar:

ClinVar aggregate classification (germline): Pathogenic (0 of 4 stars; one submission).

Conditions:
Angelman syndrome (AS). Also called: HAPPY PUPPET SYNDROME. Identifiers: Orphanet 72, MedGen C0162635, MONDO:0007113, OMIM 105830. Disease mechanism: loss of function. Inheritance: AS is caused by disruption of maternally imprinted UBE3A located within the 15q11.2-q13 Angelman syndrome/Prader-Willi syndrome (AS/PWS) region., imprinting disorder.

Submission:

Baylor Genetics
Classification: Pathogenic for Angelman Syndrome. Last evaluated: 2014-02-14. Review status: no assertion criteria provided. Collection method: clinical testing. Allele origin: germline. Affected: yes. Observed: 1 variant allele. Study: UBE3A Mutation Study.
Comment: Data collected from clinical UBE3A sequence analysis results

Literature cited by the submitters: PubMed 25212744.

NM_130839.5(UBE3A):c.159del (p.Cys54fs)

Genes: SNHG14 (small nucleolar RNA host gene 14; plus strand), UBE3A (ubiquitin protein ligase E3A; minus strand). Cytogenetic location: 15q11.2.
Variant type: Deletion.
Coding change: c.159del on transcript NM_130839.5 (MANE Select); coding-DNA position 159, one base deleted (C; older notation c.159delC).
Protein change: p.Cys54fs; shifts the reading frame from cysteine 54.
Molecular consequence: frameshift variant. On other transcripts: 5 prime UTR variant (1), non-coding transcript variant (1).
Genome position (GRCh38, 1-based): chr15:25,375,667, G deleted on the plus strand (C on the coding strand, the reverse complement: UBE3A is on the minus strand); the first of 2 consecutive G bases (chr15:25,375,667-25,375,668); deleting either gives the same sequence. VCF-style (leftmost placement, unchanged base first): chr15-25375666-AG-A. GRCh37 (hg19) VCF-style: chr15-25620813-AG-A.
Other names: c.168del, p.Cys57fs (NM_000462.5); c.159del, p.Cys54fs (NM_001354505.1, NM_001354538.2, NM_001354545.2 and 1 more transcripts); c.99del, p.Cys34fs (NM_001354506.2, NM_001354507.2, NM_001354508.2 and 18 more transcripts); c.-19del (NM_001354546.2); short protein forms C34fs, C54fs, C57fs.
Identifiers: ClinVar variation 136187 (VCV000136187.1), dbSNP rs587780565, ClinGen allele CA333456.